The following is an entry in ClinVar:

NM_006379.5(SEMA3C):c.176T>C (p.Met59Thr)

Gene: SEMA3C (semaphorin 3C; minus strand). Cytogenetic location: 7q21.11.
Variant type: single nucleotide variant.
Coding change: c.176T>C on transcript NM_006379.5 (MANE Select); coding-DNA position 176, T replaced by C.
Protein change: p.Met59Thr; replaces methionine 59 with threonine.
Molecular consequence: missense variant. On other transcripts: initiator codon variant (1).
Genome position (GRCh38, 1-based): chr7:80,828,673, A>G on the plus strand (T>C on the coding strand, the complement: SEMA3C is on the minus strand). VCF-style: chr7-80828673-A-G. GRCh37 (hg19) VCF-style: chr7-80457989-A-G.
Other names: c.230T>C, p.Met77Thr (NM_001350120.2); c.2T>C, p.Met1Thr (NM_001350121.2); short protein forms M59T, M1T, M77T.
Identifiers: ClinVar variation 4996680 (VCV004996680.1).
Genomic context (GRCh38, chr7:80,828,673, plus strand): 5'-ATATTCAGGGAAAGAATGTGATCTTTGCTTCCCACATATATCCGGTCCTGATCTTCATCC[A>G]TTAATAAAATCCTGTAGTCTAAAGGATGGTGGGAAAGGCTGAAGTATTCAGAGGTCTTGG-3'
Protein context (NP_006370.1, residues 49-69): HHPLDYRILL[Met59Thr]DEDQDRIYVG

ClinVar aggregate classification (germline): Uncertain significance (1 of 4 stars; one submission).

Conditions:
SEMA3C-related disorder. Also called: SEMA3C-related condition.

gnomAD v4.1: 1 of 1,612,158 alleles (0.000062%); highest among the groups gnomAD compares: Non-Finnish European, 0.000085%; no homozygotes.

Submission:

PreventionGenetics, part of Exact Sciences
Classification: Uncertain significance for SEMA3C-related condition. Last evaluated: 2026-04-12. Review status: criteria provided, single submitter. Criteria: ACMG Guidelines, 2015. Collection method: clinical testing. Allele origin: germline.
Comment: The SEMA3C c.2T>C variant is predicted to disrupt the translation initiation site (Start Loss). To our knowledge, this variant has not been reported in the literature or in a large population database (gnomAD), indicating this variant is rare. At this time, the clinical significance of this variant is uncertain due to the absence of conclusive functional and genetic evidence.